The following is an entry in ClinVar:

NM_001289125.3(IFNAR2):c.1241C>T (p.Thr414Met)

Genes: IFNAR2 (interferon alpha and beta receptor subunit 2; plus strand), IFNAR2-IL10RB (IFNAR2-IL10RB readthrough; plus strand). Cytogenetic location: 21q22.11.
Variant type: single nucleotide variant.
Coding change: c.1241C>T on transcript NM_001289125.3 (MANE Select); coding-DNA position 1241, C replaced by T.
Protein change: p.Thr414Met; replaces threonine 414 with methionine.
Molecular consequence: missense variant. On other transcripts: 3 prime UTR variant (5).
Genome position (GRCh38, 1-based): chr21:33,263,193, C>T. VCF-style: chr21-33263193-C-T. GRCh37 (hg19) VCF-style: chr21-34635498-C-T.
Other names: c.*477C>T (NM_000874.5, NM_207584.3); c.*390C>T (NM_001289126.2, NM_001289128.2); c.*616C>T (NM_001385054.1); c.1241C>T, p.Thr414Met (NM_001385055.1, NM_207585.3); short protein forms T414M.
Identifiers: ClinVar variation 1522659 (VCV001522659.7), dbSNP rs369534116, ClinGen allele CA10005949.

ClinVar aggregate classification (germline): Uncertain significance (1 of 4 stars; one submission).

Allele frequency attached by ClinVar (database versions not stated): gnomAD 0.00001.
gnomAD v4.1: 31 of 1,614,058 alleles (0.0019%); highest among the groups gnomAD compares: South Asian, 0.0088%; no homozygotes.

Submission:

Labcorp Genetics (formerly Invitae), Labcorp
Classification: Uncertain significance. Last evaluated: 2024-02-24. Review status: criteria provided, single submitter. Criteria: Invitae Variant Classification Sherloc (09022015). Collection method: clinical testing. Allele origin: germline.
Comment: This sequence change replaces threonine, which is neutral and polar, with methionine, which is neutral and non-polar, at codon 414 of the IFNAR2 protein (p.Thr414Met). This variant is present in population databases (rs369534116, gnomAD 0.006%). This variant has not been reported in the literature in individuals affected with IFNAR2-related conditions. ClinVar contains an entry for this variant (Variation ID: 1522659). Algorithms developed to predict the effect of missense changes on protein structure and function output the following: SIFT: "Not Available"; PolyPhen-2: "Benign"; Align-GVGD: "Not Available". The methionine amino acid residue is found in multiple mammalian species, which suggests that this missense change does not adversely affect protein function. In summary, the available evidence is currently insufficient to determine the role of this variant in disease. Therefore, it has been classified as a Variant of Uncertain Significance.